The following is an entry in ClinVar:

ClinVar aggregate classification (germline): Conflicting classifications of pathogenicity. Review status: criteria provided, conflicting classifications (1 of 4 stars). 6 submissions from 6 submitters: Uncertain significance (3); Likely benign (1). 2 of the submissions do not count toward it. Last evaluated 2026-02-01.

Allele frequency attached by ClinVar (database versions not stated): TOPMed 0.00008; ESP Exome Variant Server 0.00024.
gnomAD v4.1: 91 of 1,612,916 alleles (0.0056%); highest among the groups gnomAD compares: African/African-American, 0.016%; no homozygotes.

Submissions (6):

Labcorp Genetics (formerly Invitae), Labcorp
Classification: Likely benign. Last evaluated: 2026-02-01. Review status: criteria provided, single submitter. Criteria: Invitae Variant Classification Sherloc (09022015). Collection method: clinical testing. Allele origin: germline.

GeneDx
Classification: Uncertain significance. Last evaluated: 2025-10-15. Review status: criteria provided, single submitter. Criteria: GeneDx Variant Classification Process June 2021. Collection method: clinical testing. Allele origin: germline. Affected: yes.
Comment: Has not been previously published as pathogenic or benign to our knowledge; In silico analysis suggests that this missense variant does not alter protein structure/function

Blueprint Genetics
Classification: Uncertain significance. Last evaluated: 2024-06-06. Review status: criteria provided, single submitter. Criteria: ACMG Guidelines, 2015. Collection method: clinical testing. Allele origin: germline.

Laboratory for Molecular Medicine, Mass General Brigham Personalized Medicine
Classification: Uncertain significance. Last evaluated: 2014-07-29. Review status: criteria provided, single submitter. Criteria: LMM Criteria. Collection method: clinical testing. Allele origin: germline. Observed: 1 variant allele.
Comment: The Pro1208Ser variant in COL11A2 has not been previously reported in individual s with hearing loss, but has been identified in 0.02% (1/5418) of European Ameri can chromosomes and 0.03% (1/3022) of African American chromosomes by the NHLBI Exome Sequencing Project (dbSNP rs374515005). Although this variant has been seen in the general population, its frequency i s not high enough to rule out a pathogenic role. Computational prediction tools and conservation analyses suggest that the Pro1208Ser variant may impact the pro tein, though this information is not predictive enough to determine pathogenicit y. In summary, the clinical significance of the Pro1208Ser variant is uncertain.

Clinical Genetics DNA and cytogenetics Diagnostics Lab, Erasmus MC, Erasmus Medical Center
Classification: Uncertain significance. Review status: no assertion criteria provided. Collection method: clinical testing. Allele origin: germline. Affected: yes. Study: VKGL Data-share Consensus. Not counted in ClinVar's aggregate classification.

Joint Genome Diagnostic Labs from Nijmegen and Maastricht, Radboudumc and MUMC+
Classification: Uncertain significance. Review status: no assertion criteria provided. Collection method: clinical testing. Allele origin: germline. Affected: yes. Study: VKGL Data-share Consensus. Not counted in ClinVar's aggregate classification.

NM_080680.3(COL11A2):c.3622C>T (p.Pro1208Ser)

Gene: COL11A2 (collagen type XI alpha 2 chain; minus strand). Cytogenetic location: 6p21.32.
Variant type: single nucleotide variant.
Coding change: c.3622C>T on transcript NM_080680.3 (MANE Select); coding-DNA position 3622, C replaced by T.
Protein change: p.Pro1208Ser; replaces proline 1208 with serine.
Molecular consequence: missense variant.
Genome position (GRCh38, 1-based): chr6:33,170,061, G>A on the plus strand (C>T on the coding strand, the complement: COL11A2 is on the minus strand). VCF-style: chr6-33170061-G-A. GRCh37 (hg19) VCF-style: chr6-33137838-G-A.
Other names: c.3301C>T, p.Pro1101Ser (NM_080679.3); c.3364C>T, p.Pro1122Ser (NM_080681.3); short protein forms P1208S, P1101S, P1122S.
Identifiers: ClinVar variation 178324 (VCV000178324.20), dbSNP rs374515005, ClinGen allele CA182111.